The following is an entry in ClinVar:

NM_001004334.4(GPR179):c.2792C>T (p.Pro931Leu)

Gene: GPR179 (G protein-coupled receptor 179; minus strand). Cytogenetic location: 17q12.
Variant type: single nucleotide variant.
Coding change: c.2792C>T on transcript NM_001004334.4 (MANE Select); coding-DNA position 2792, C replaced by T.
Protein change: p.Pro931Leu; replaces proline 931 with leucine.
Molecular consequence: missense variant.
Genome position (GRCh38, 1-based): chr17:38,330,777, G>A on the plus strand (C>T on the coding strand, the complement: GPR179 is on the minus strand). VCF-style: chr17-38330777-G-A. GRCh37 (hg19) VCF-style: chr17-36486660-G-A.
Other names: c.2792C>T (NM_001004334.2); short protein forms P931L.
Identifiers: ClinVar variation 1517896 (VCV001517896.9), dbSNP rs747070634, ClinGen allele CA290105573.

ClinVar aggregate classification (germline): Uncertain significance. Review status: criteria provided, multiple submitters, no conflicts (2 of 4 stars). 2 submissions from 2 submitters: Uncertain significance (2). Last evaluated 2023-11-27.

Conditions:
Inborn genetic diseases. Identifiers: MedGen C0950123, MeSH D030342.

Allele frequency attached by ClinVar (database versions not stated): gnomAD 0.00001; gnomAD exomes 0.00001 and 0.00002; TOPMed 0.00001; ExAC 0.00002.

Submissions (2):

Labcorp Genetics (formerly Invitae), Labcorp
Classification: Uncertain significance. Last evaluated: 2023-11-27. Review status: criteria provided, single submitter. Criteria: Invitae Variant Classification Sherloc (09022015). Collection method: clinical testing. Allele origin: germline.
Comment: This sequence change replaces proline, which is neutral and non-polar, with leucine, which is neutral and non-polar, at codon 931 of the GPR179 protein (p.Pro931Leu). This variant is present in population databases (rs747070634, gnomAD 0.002%). This variant has not been reported in the literature in individuals affected with GPR179-related conditions. ClinVar contains an entry for this variant (Variation ID: 1517896). An algorithm developed to predict the effect of missense changes on protein structure and function (PolyPhen-2) suggests that this variant is likely to be tolerated. In summary, the available evidence is currently insufficient to determine the role of this variant in disease. Therefore, it has been classified as a Variant of Uncertain Significance.

Ambry Genetics
Classification: Uncertain significance for Inborn genetic diseases. Last evaluated: 2021-11-12. Review status: criteria provided, single submitter. Criteria: Ambry Variant Classification Scheme 2023. Collection method: clinical testing. Allele origin: germline.